The following is an entry in ClinVar:

ClinVar aggregate classification (germline): Uncertain significance. Review status: criteria provided, multiple submitters, no conflicts (2 of 4 stars). 2 submissions from 2 submitters: Uncertain significance (2). Last evaluated 2025-05-19.

Allele frequency attached by ClinVar (database versions not stated): TOPMed below 0.00001; gnomAD exomes 0.00001; ExAC 0.00002.
gnomAD v4.1: 3 of 1,613,950 alleles (0.00019%); highest among the groups gnomAD compares: African/African-American, 0.004%; 1 homozygote.

Submissions (2):

Women's Health and Genetics/Laboratory Corporation of America, LabCorp
Classification: Uncertain significance. Last evaluated: 2025-05-19. Review status: criteria provided, single submitter. Criteria: LabCorp Variant Classification Summary - May 2015. Collection method: clinical testing. Allele origin: germline.
Comment: Variant summary: TULP1 c.1520G>T (p.Gly507Val) results in a non-conservative amino acid change located in the Tubby Protein Chain A (IPR025659) of the encoded protein sequence. Algorithms developed to predict the effect of missense changes on protein structure and function all suggest that this variant is likely to be disruptive. The variant allele was found at a frequency of 1.2e-05 in 250018 control chromosomes in the gnomAD database, including 1 homozygotes. The available data on variant occurrences in the general population are insufficient to allow any conclusion about variant significance. To our knowledge, no occurrence of c.1520G>T in individuals affected with Leber Congenital Amaurosis and no experimental evidence demonstrating its impact on protein function have been reported. ClinVar contains an entry for this variant (Variation ID: 1379660). Based on the evidence outlined above, the variant was classified as uncertain significance.

Labcorp Genetics (formerly Invitae), Labcorp
Classification: Uncertain significance. Last evaluated: 2022-06-27. Review status: criteria provided, single submitter. Criteria: Invitae Variant Classification Sherloc (09022015). Collection method: clinical testing. Allele origin: germline.
Comment: This variant is present in population databases (rs763333253, gnomAD 0.02%), including at least one homozygous and/or hemizygous individual. This variant has not been reported in the literature in individuals affected with TULP1-related conditions. Algorithms developed to predict the effect of missense changes on protein structure and function are either unavailable or do not agree on the potential impact of this missense change (SIFT: "Not Available"; PolyPhen-2: "Probably Damaging"; Align-GVGD: "Not Available"). In summary, the available evidence is currently insufficient to determine the role of this variant in disease. Therefore, it has been classified as a Variant of Uncertain Significance. This sequence change replaces glycine, which is neutral and non-polar, with valine, which is neutral and non-polar, at codon 507 of the TULP1 protein (p.Gly507Val).

NM_003322.6(TULP1):c.1520G>T (p.Gly507Val)

Gene: TULP1 (TUB like protein 1; minus strand). Cytogenetic location: 6p21.31.
Variant type: single nucleotide variant.
Coding change: c.1520G>T on transcript NM_003322.6 (MANE Select); coding-DNA position 1520, G replaced by T.
Protein change: p.Gly507Val; replaces glycine 507 with valine.
Molecular consequence: missense variant.
Genome position (GRCh38, 1-based): chr6:35,498,436, C>A on the plus strand (G>T on the coding strand, the complement: TULP1 is on the minus strand). VCF-style: chr6-35498436-C-A. GRCh37 (hg19) VCF-style: chr6-35466213-C-A.
Other names: c.1361G>T, p.Gly454Val (NM_001289395.2); short protein forms G454V, G507V.
Identifiers: ClinVar variation 1379660 (VCV001379660.7), dbSNP rs763333253, ClinGen allele CA3772523.
Genomic context (GRCh38, chr6:35,498,436, plus strand): 5'-GCCTGCAGGGCGCACAGCGGGTACCGGTAGTCTAGGGTGAAGGCGTCCTCCGCCACGCGG[C>A]CGAACTGCAGCACGATATAGTCGGCTATGGACACAAGACGGGGTGGGGGCGGCCCGAGAC-3'
Protein context (NP_003313.3, residues 497-517): DDPDYIVLQF[Gly507Val]RVAEDAFTLD